The following is an entry in ClinVar:

ClinVar aggregate classification (germline): Likely benign. Review status: reviewed by expert panel (3 of 4 stars). 2 submissions from 2 submitters: Likely benign (1). 1 of the submissions does not count toward it. Last evaluated 2026-01-13.

Conditions:
X-linked severe combined immunodeficiency (SCIDX1). Also called: IMMUNODEFICIENCY 4; SCID, X-LINKED; SEVERE COMBINED IMMUNODEFICIENCY, X-LINKED, T CELL-NEGATIVE, B CELL-POSITIVE, NK CELL-NEGATIVE; T-B+ severe combined immunodeficiency due to gamma chain deficiency; X-Linked Combined Immunodeficiency Diseases. Identifiers: Orphanet 276, MedGen C6022468, MONDO:0010315, OMIM 300400. Disease mechanism: loss of function.

Allele frequency attached by ClinVar (database versions not stated): gnomAD 0.00001; TOPMed 0.00001; gnomAD exomes 0.00002 and 0.00005; ExAC 0.00014.

Submissions (2):

ClinGen Severe Combined Immunodeficiency Variant Curation Expert Panel, ClinGen
Classification: Likely benign for X-linked severe combined immunodeficiency. Last evaluated: 2026-01-13. Review status: reviewed by expert panel. Criteria: ClinGen SCID ACMG Specifications IL2RG V2.1.0. Collection method: curation. Allele origin: germline. Inheritance: X-linked inheritance.
Comment: NM_000206.3(IL2RG):c.799G>A is a missense variant predicted to cause substitution of Valine by Isoleucine at amino acid 267 (p.Val267Ile). This variant is observed in 4 hemizygotes in gnomAD v4 (BS2). There are no publications for this variant in the literature. Therefore this variant is classified as likely benign for X-linked severe combined immunodeficiency due to IL2RG deficiency based on the ACMG/AMP criteria applied, as specified by the ClinGen SCID VCEP version 2.1.0: BS2 (VCEP specifications version 2.1.0).

Labcorp Genetics (formerly Invitae), Labcorp
Classification: Likely benign for X-linked severe combined immunodeficiency. Last evaluated: 2023-04-12. Review status: criteria provided, single submitter. Criteria: Invitae Variant Classification Sherloc (09022015). Collection method: clinical testing. Allele origin: germline. Not counted in ClinVar's aggregate classification.

NM_000206.3(IL2RG):c.799G>A (p.Val267Ile)

Gene: IL2RG (interleukin 2 receptor subunit gamma; minus strand). Cytogenetic location: Xq13.1.
Variant type: single nucleotide variant.
Coding change: c.799G>A on transcript NM_000206.3 (MANE Select); coding-DNA position 799, G replaced by A.
Protein change: p.Val267Ile; replaces valine 267 with isoleucine.
Molecular consequence: missense variant.
Genome position (GRCh38, 1-based): chrX:71,108,654, C>T on the plus strand (G>A on the coding strand, the complement: IL2RG is on the minus strand). VCF-style: chrX-71108654-C-T. GRCh37 (hg19) VCF-style: chrX-70328504-C-T.
Other names: NM_000206.3(IL2RG):c.799G>A; p.Val267Ile; short protein forms V267I.
Identifiers: ClinVar variation 1570739 (VCV001570739.9), dbSNP rs759051897, ClinGen allele CA10443809.